The following is an entry in ClinVar:

NM_000540.3(RYR1):c.5661_5669del (p.Asp1888_Glu1890del)

Gene: RYR1 (ryanodine receptor 1; plus strand). Cytogenetic location: 19q13.2.
Variant type: Deletion.
Coding change: c.5661_5669del on transcript NM_000540.3 (MANE Select); coding-DNA positions 5661 to 5669, 9 bases deleted (AGATGAGGA; older notation c.5661_5669delAGATGAGGA).
Protein change: p.Asp1888_Glu1890del.
Genome position (GRCh38, 1-based): chr19:38,489,290-38,489,298, AGATGAGGA deleted; deleting any 9 consecutive bases within chr19:38,489,285-38,489,298 gives the same sequence; the c. name uses the placement nearest the transcript's 3' end. VCF-style (leftmost placement, unchanged base first): chr19-38489284-AGAGGAAGAT-A. GRCh37 (hg19) VCF-style: chr19-38979924-AGAGGAAGAT-A.
Other names: c.5661_5669del, p.Asp1888_Glu1890del (NM_001042723.2).
Identifiers: ClinVar variation 3387751 (VCV003387751.1).

ClinVar aggregate classification (germline): Uncertain significance (1 of 4 stars; one submission).

Conditions:
Malignant hyperthermia, susceptibility to, 1 (MHS1). Also called: Anesthesia related hyperthermia; Malignant hyperpyrexia; Fulminating hyperpyrexia; Pharmacogenic myopathy; RYR1-Related Malignant Hyperthermia Susceptibility; Malignant hyperthermia suceptibility 1. Identifiers: Orphanet 423, MedGen C2930980, MONDO:0007783, OMIM 145600.

Submission:

All of Us Research Program, National Institutes of Health
Classification: Uncertain significance for Malignant hyperthermia, susceptibility to, 1. Last evaluated: 2024-03-05. Review status: criteria provided, single submitter. Criteria: ACMG Guidelines, 2015. Collection method: clinical testing. Allele origin: germline. Inheritance: Autosomal dominant inheritance. Observed: 1 variant allele, 1 heterozygote.
Comment: This study involves interpretation of variants in research participants for the purpose of population health screening. Participant phenotype was not available at the time of variant classification. Additional details can be found in publication PMID: 35346344, PMCID: PMC8962531